The following is an entry in ClinVar:

NM_006005.3(WFS1):c.83A>C (p.Asn28Thr)

Gene: WFS1 (wolframin ER transmembrane glycoprotein; plus strand). Cytogenetic location: 4p16.1.
Variant type: single nucleotide variant.
Coding change: c.83A>C on transcript NM_006005.3 (MANE Select); coding-DNA position 83, A replaced by C.
Protein change: p.Asn28Thr; replaces asparagine 28 with threonine.
Molecular consequence: missense variant.
Genome position (GRCh38, 1-based): chr4:6,277,538, A>C. VCF-style: chr4-6277538-A-C. GRCh37 (hg19) VCF-style: chr4-6279265-A-C.
Other names: c.83A>C, p.Asn28Thr (NM_001145853.1); short protein forms N28T.
Identifiers: ClinVar variation 2107896 (VCV002107896.3), dbSNP rs397517198, ClinGen allele CA356169602.
Genomic context (GRCh38, chr4:6,277,538, plus strand): 5'-TGGGCCCCTCCTGCCCACAGCCCCCGCCAGCACCGCAGCCCCAGGCGCGTTCCCGACTCA[A>C]TGCCACAGCCTCGTTGGAGCAGGAGAGGAGCGAAAGGCCCCGAGCACCCGGACCCCAGGC-3'
Protein context (NP_005996.2, residues 18-38): APQPQARSRL[Asn28Thr]ATASLEQERS

ClinVar aggregate classification (germline): Uncertain significance (1 of 4 stars; one submission).

Submission:

Labcorp Genetics (formerly Invitae), Labcorp
Classification: Uncertain significance. Last evaluated: 2025-01-06. Review status: criteria provided, single submitter. Criteria: Invitae Variant Classification Sherloc (09022015). Collection method: clinical testing. Allele origin: germline.
Comment: This sequence change replaces asparagine, which is neutral and polar, with threonine, which is neutral and polar, at codon 28 of the WFS1 protein (p.Asn28Thr). This variant is not present in population databases (gnomAD no frequency). This variant has not been reported in the literature in individuals affected with WFS1-related conditions. ClinVar contains an entry for this variant (Variation ID: 2107896). Invitae Evidence Modeling of protein sequence and biophysical properties (such as structural, functional, and spatial information, amino acid conservation, physicochemical variation, residue mobility, and thermodynamic stability) indicates that this missense variant is not expected to disrupt WFS1 protein function with a negative predictive value of 95%. In summary, the available evidence is currently insufficient to determine the role of this variant in disease. Therefore, it has been classified as a Variant of Uncertain Significance.